The following is an entry in ClinVar:

NM_001177693.2(ARHGEF28):c.1982C>T (p.Ser661Phe)

Gene: ARHGEF28 (Rho guanine nucleotide exchange factor 28; plus strand). Cytogenetic location: 5q13.2.
Variant type: single nucleotide variant.
Coding change: c.1982C>T on transcript NM_001177693.2 (MANE Select); coding-DNA position 1982, C replaced by T.
Protein change: p.Ser661Phe; replaces serine 661 with phenylalanine.
Molecular consequence: missense variant.
Genome position (GRCh38, 1-based): chr5:73,858,154, C>T. VCF-style: chr5-73858154-C-T. GRCh37 (hg19) VCF-style: chr5-73153979-C-T.
Other names: c.1982C>T, p.Ser661Phe (NM_001080479.3, NM_001388078.1); c.1043C>T, p.Ser348Phe (NM_001244364.2); c.1688C>T, p.Ser563Phe (NM_001388076.1); short protein forms S348F, S563F, S661F.
Identifiers: ClinVar variation 3035374 (VCV003035374.3), dbSNP rs61739928, ClinGen allele CA3304703.

ClinVar aggregate classification (germline): Conflicting classifications of pathogenicity. Review status: no assertion criteria provided (0 of 4 stars). 2 submissions from 2 submitters: Uncertain significance (1); Likely benign (1). Last evaluated 2024-06-03.

Conditions:
Meniere disease. Also called: Ménière's disease. Identifiers: MedGen C0025281, MONDO:0007972, OMIM 156000.
ARHGEF28-related disorder. Also called: ARHGEF28-related condition.

Allele frequency attached by ClinVar (database versions not stated): 1000 Genomes Project 30x 0.00016; 1000 Genomes Project 0.00020; TOPMed 0.00087; ExAC 0.00091; gnomAD 0.00094; ESP Exome Variant Server 0.00134.
gnomAD v4.1: 1,668 of 1,612,400 alleles (0.1%); highest among the groups gnomAD compares: Non-Finnish European, 0.12%; 2 homozygotes.

Submissions (2):

Center for Computational Biology & Bioinformatics, University of California, San Diego
Classification: Uncertain significance for Meniere disease. Last evaluated: 2024-06-03. Review status: no assertion criteria provided. Collection method: research. Allele origin: germline. Affected: yes.

PreventionGenetics, part of Exact Sciences
Classification: Likely benign for ARHGEF28-related condition. Last evaluated: 2022-04-12. Review status: no assertion criteria provided. Collection method: clinical testing. Allele origin: germline.
Comment: This variant is classified as likely benign based on ACMG/AMP sequence variant interpretation guidelines (Richards et al. 2015 PMID: 25741868, with internal and published modifications).